The following is an entry in ClinVar:

NM_001365951.3(KIF1B):c.1450A>T (p.Ile484Phe)

Gene: KIF1B (kinesin family member 1B; plus strand). Cytogenetic location: 1p36.22.
Variant type: single nucleotide variant.
Coding change: c.1450A>T on transcript NM_001365951.3 (MANE Select); coding-DNA position 1450, A replaced by T.
Protein change: p.Ile484Phe; replaces isoleucine 484 with phenylalanine.
Molecular consequence: missense variant.
Genome position (GRCh38, 1-based): chr1:10,291,097, A>T. VCF-style: chr1-10291097-A-T. GRCh37 (hg19) VCF-style: chr1-10351155-A-T.
Other names: c.1450A>T, p.Ile484Phe (NM_001365952.1); c.1312A>T, p.Ile438Phe (NM_001365953.1, NM_015074.3, NM_183416.4); short protein forms I438F, I484F.
Identifiers: ClinVar variation 1413371 (VCV001413371.9), dbSNP rs2102247580, ClinGen allele CA338312912.

ClinVar aggregate classification (germline): Uncertain significance. Review status: criteria provided, multiple submitters, no conflicts (2 of 4 stars). 2 submissions from 2 submitters: Uncertain significance (2). Last evaluated 2024-12-12.

Conditions:
Charcot-Marie-Tooth disease type 2. Also called: Charcot-Marie-Tooth type 2. Identifiers: Orphanet 64746, MedGen C0270914, MONDO:0018993.

Submissions (2):

Ambry Genetics
Classification: Uncertain significance. Last evaluated: 2024-12-12. Review status: criteria provided, single submitter. Criteria: Ambry Variant Classification Scheme 2023. Collection method: clinical testing. Allele origin: germline.
Comment: The p.I438F variant (also known as c.1312A>T), located in coding exon 13 of the KIF1B gene, results from an A to T substitution at nucleotide position 1312. The isoleucine at codon 438 is replaced by phenylalanine, an amino acid with highly similar properties. This amino acid position is highly conserved in available vertebrate species. In addition, this alteration is predicted to be deleterious by in silico analysis. The evidence for this gene-disease relationship is limited; therefore, the clinical significance of this alteration is unclear.

Labcorp Genetics (formerly Invitae), Labcorp
Classification: Uncertain significance for Charcot-Marie-Tooth disease type 2. Last evaluated: 2024-05-19. Review status: criteria provided, single submitter. Criteria: Invitae Variant Classification Sherloc (09022015). Collection method: clinical testing. Allele origin: germline.
Comment: This sequence change replaces isoleucine, which is neutral and non-polar, with phenylalanine, which is neutral and non-polar, at codon 438 of the KIF1B protein (p.Ile438Phe). This variant is not present in population databases (gnomAD no frequency). This variant has not been reported in the literature in individuals affected with KIF1B-related conditions. ClinVar contains an entry for this variant (Variation ID: 1413371). Advanced modeling of protein sequence and biophysical properties (such as structural, functional, and spatial information, amino acid conservation, physicochemical variation, residue mobility, and thermodynamic stability) has been performed at Invitae for this missense variant, however the output from this modeling did not meet the statistical confidence thresholds required to predict the impact of this variant on KIF1B protein function. In summary, the available evidence is currently insufficient to determine the role of this variant in disease. Therefore, it has been classified as a Variant of Uncertain Significance.